The following is an entry in ClinVar:

NM_014874.4(MFN2):c.2026G>A (p.Val676Ile)

Gene: MFN2 (mitofusin 2; plus strand). Cytogenetic location: 1p36.22.
Variant type: single nucleotide variant.
Coding change: c.2026G>A on transcript NM_014874.4 (MANE Select); coding-DNA position 2026, G replaced by A.
Protein change: p.Val676Ile; replaces valine 676 with isoleucine.
Molecular consequence: missense variant.
Genome position (GRCh38, 1-based): chr1:12,007,206, G>A. VCF-style: chr1-12007206-G-A. GRCh37 (hg19) VCF-style: chr1-12067263-G-A.
Other names: c.2026G>A, p.Val676Ile (NM_001127660.2); short protein forms V676I.
Identifiers: ClinVar variation 379491 (VCV000379491.2), dbSNP rs1057520619, ClinGen allele CA16603417.
Genomic context (GRCh38, chr1:12,007,206, plus strand): 5'-GCCAAGGAGAGGGCCTTCAAGCGCCAGTTTGTGGAGCATGCCAGCGAGAAGCTGCAGCTT[G>A]TCATCAGCTACACTGGCTCCAACTGCAGCCACCAAGTCCAGCAGTGAGTGGCCCTGTCGG-3'
Protein context (NP_055689.1, residues 666-686): VEHASEKLQL[Val676Ile]ISYTGSNCSH

ClinVar aggregate classification (germline): Conflicting classifications of pathogenicity. Review status: criteria provided, conflicting classifications (1 of 4 stars). 2 submissions from 2 submitters: Uncertain significance (1); Likely benign (1). Last evaluated 2025-03-27.

Conditions:
Charcot-Marie-Tooth disease type 2. Also called: Charcot-Marie-Tooth type 2. Identifiers: Orphanet 64746, MedGen C0270914, MONDO:0018993.

Submissions (2):

Labcorp Genetics (formerly Invitae), Labcorp
Classification: Uncertain significance for Charcot-Marie-Tooth disease type 2. Last evaluated: 2025-03-27. Review status: criteria provided, single submitter. Criteria: Invitae Variant Classification Sherloc (09022015). Collection method: clinical testing. Allele origin: germline.
Comment: This sequence change replaces valine, which is neutral and non-polar, with isoleucine, which is neutral and non-polar, at codon 676 of the MFN2 protein (p.Val676Ile). This variant is not present in population databases (gnomAD no frequency). This variant has not been reported in the literature in individuals affected with MFN2-related conditions. ClinVar contains an entry for this variant (Variation ID: 379491). Invitae Evidence Modeling of protein sequence and biophysical properties (such as structural, functional, and spatial information, amino acid conservation, physicochemical variation, residue mobility, and thermodynamic stability) indicates that this missense variant is not expected to disrupt MFN2 protein function with a negative predictive value of 95%. In summary, the available evidence is currently insufficient to determine the role of this variant in disease. Therefore, it has been classified as a Variant of Uncertain Significance.

GeneDx
Classification: Likely benign. Last evaluated: 2015-04-09. Review status: criteria provided, single submitter. Criteria: GeneDx Variant Classification (06012015). Collection method: clinical testing. Allele origin: germline. Affected: yes.
Comment: This variant is considered likely benign or benign based on one or more of the following criteria: it is a conservative change, it occurs at a poorly conserved position in the protein, it is predicted to be benign by multiple in silico algorithms, and/or has population frequency not consistent with disease.